The following is an entry in ClinVar:

ClinVar aggregate classification (germline): Uncertain significance (1 of 4 stars; one submission).

Conditions:
Hereditary cancer-predisposing syndrome. Also called: Tumor predisposition; Hereditary Cancer Syndrome; Hereditary neoplastic syndrome; Neoplastic Syndromes, Hereditary. Identifiers: Orphanet 140162, MedGen C0027672, MeSH D009386, MONDO:0015356.

Submission:

Ambry Genetics
Classification: Uncertain significance for Hereditary cancer-predisposing syndrome. Last evaluated: 2026-02-11. Review status: criteria provided, single submitter. Criteria: Ambry Variant Classification Scheme 2023. Collection method: clinical testing. Allele origin: germline.
Comment: The c.144+3G>A intronic variant results from a G to A substitution 3 nucleotides after coding exon 2 in the RAD51D gene. This nucleotide position is highly conserved in available vertebrate species. In silico splice site analysis predicts that this alteration will not have any significant effect on splicing. Based on the available evidence, the clinical significance of this variant remains unclear.

NM_002878.4(RAD51D):c.144+3G>A

Genes: RAD51D (RAD51 paralog D; minus strand), RAD51L3-RFFL (RAD51L3-RFFL readthrough; minus strand). Cytogenetic location: 17q12.
Variant type: single nucleotide variant.
Coding change: c.144+3G>A on transcript NM_002878.4 (MANE Select); 3 bases into the intron after coding-DNA position 144, G replaced by A.
Molecular consequence: intron variant.
Genome position (GRCh38, 1-based): chr17:35,119,108, C>T on the plus strand (G>A on the coding strand, the complement: RAD51D is on the minus strand). VCF-style: chr17-35119108-C-T. GRCh37 (hg19) VCF-style: chr17-33446127-C-T.
Other names: c.144+3G>A (NM_133629.3, NM_001142571.2).
Identifiers: ClinVar variation 1772687 (VCV001772687.3), dbSNP rs761057565, ClinGen allele CA2580093243.